The following is an entry in ClinVar:

NM_018943.3(TUBA8):c.449C>G (p.Thr150Ser)

Gene: TUBA8 (tubulin alpha 8; plus strand). Cytogenetic location: 22q11.21.
Variant type: single nucleotide variant.
Coding change: c.449C>G on transcript NM_018943.3 (MANE Select); coding-DNA position 449, C replaced by G.
Protein change: p.Thr150Ser; replaces threonine 150 with serine.
Molecular consequence: missense variant.
Genome position (GRCh38, 1-based): chr22:18,126,427, C>G. VCF-style: chr22-18126427-C-G. GRCh37 (hg19) VCF-style: chr22-18609194-C-G.
Other names: c.251C>G, p.Thr84Ser (NM_001193414.2); short protein forms T150S, T84S.
Identifiers: ClinVar variation 4744370 (VCV004744370.1).

ClinVar aggregate classification (germline): Uncertain significance (1 of 4 stars; one submission).

Submission:

Labcorp Genetics (formerly Invitae), Labcorp
Classification: Uncertain significance. Last evaluated: 2025-04-08. Review status: criteria provided, single submitter. Criteria: Invitae Variant Classification Sherloc (09022015). Collection method: clinical testing. Allele origin: germline.
Comment: This sequence change replaces threonine, which is neutral and polar, with serine, which is neutral and polar, at codon 150 of the TUBA8 protein (p.Thr150Ser). This variant is not present in population databases (gnomAD no frequency). This variant has not been reported in the literature in individuals affected with TUBA8-related conditions. Invitae Evidence Modeling of protein sequence and biophysical properties (such as structural, functional, and spatial information, amino acid conservation, physicochemical variation, residue mobility, and thermodynamic stability) indicates that this missense variant is not expected to disrupt TUBA8 protein function with a negative predictive value of 80%. In summary, the available evidence is currently insufficient to determine the role of this variant in disease. Therefore, it has been classified as a Variant of Uncertain Significance.